The following is an entry in ClinVar:

NM_198129.4(LAMA3):c.705C>T (p.Asn235=)

Gene: LAMA3 (laminin subunit alpha 3; plus strand). Cytogenetic location: 18q11.2.
Variant type: single nucleotide variant.
Coding change: c.705C>T on transcript NM_198129.4 (MANE Select); coding-DNA position 705, C replaced by T.
Protein change: p.Asn235=; no amino-acid change (asparagine 235 retained).
Molecular consequence: synonymous variant. On other transcripts: non-coding transcript variant (1).
Genome position (GRCh38, 1-based): chr18:23,750,938, C>T. VCF-style: chr18-23750938-C-T. GRCh37 (hg19) VCF-style: chr18-21330902-C-T.
Other names: c.705C>T, p.Asn235= (NM_001127717.4, NM_001302996.2).
Identifiers: ClinVar variation 4978233 (VCV004978233.1).
Genomic context (GRCh38, chr18:23,750,938, plus strand): 5'-AGGAACTTTTTCCCCCTTTATGTGTGTGTGGTCATTTTAGGTTGTGGTGTCCTTGATAAA[C>T]GGTCGTCCAGGTGCAAAAAATTTTACTTTCTCTCACACCCTGAGGGAGTTTACCAAGGCA-3'
Protein context (NP_937762.2, residues 225-245): ENGEVVVSLI[Asn235=]GRPGAKNFTF

ClinVar aggregate classification (germline): Likely benign (1 of 4 stars; one submission).

Conditions:
LAMA3-related disorder. Also called: LAMA3-related disorders; LAMA3-related condition.

gnomAD v4.1: 18 of 1,613,928 alleles (0.0011%); highest among the groups gnomAD compares: Admixed American, 0.0067%; no homozygotes.

Submission:

PreventionGenetics, part of Exact Sciences
Classification: Likely benign for LAMA3-related condition. Last evaluated: 2025-03-24. Review status: criteria provided, single submitter. Criteria: ACMG Guidelines, 2015. Collection method: clinical testing. Allele origin: germline.
Comment: This variant is classified as likely benign based on ACMG/AMP sequence variant interpretation guidelines (Richards et al. 2015 PMID: 25741868, with internal and published modifications).